The following is an entry in ClinVar:

NM_001267550.2(TTN):c.17018A>T (p.Asp5673Val)

Genes: TTN (titin; minus strand), LOC126806431 (CDK7 strongly-dependent group 2 enhancer GRCh37_chr2:179595719-179596918; plus strand). Cytogenetic location: 2q31.2.
Variant type: single nucleotide variant.
Coding change: c.17018A>T on transcript NM_001267550.2 (MANE Select); coding-DNA position 17018, A replaced by T.
Protein change: p.Asp5673Val; replaces aspartic acid 5673 with valine.
Molecular consequence: missense variant. On other transcripts: intron variant (3).
Genome position (GRCh38, 1-based): chr2:178,731,857, T>A on the plus strand (A>T on the coding strand, the complement: TTN is on the minus strand). VCF-style: chr2-178731857-T-A. GRCh37 (hg19) VCF-style: chr2-179596584-T-A.
Other names: c.16067A>T, p.Asp5356Val (NM_001256850.1); c.13286A>T, p.Asp4429Val (NM_133378.4); c.13282+6225A>T (NM_003319.4); c.13858+6225A>T (NM_133437.4); c.13657+6225A>T (NM_133432.3); short protein forms D5356V, D4429V, D5673V.
Identifiers: ClinVar variation 4526215 (VCV004526215.1).
Genomic context (GRCh38, chr2:178,731,857, plus strand): 5'-CTAACCAGATGATCCTGAATGAAAGTCTTATACTTTCTACCACTTCGCAGGATTGTGTTA[T>A]CTTTGAACCAAGTGATCTCAAAGGGAGGAGTGCCTGCCACCTCAGCCAGCAACATGACAT-3'
Protein context (NP_001254479.2, residues 5663-5683): TPPFEITWFK[Asp5673Val]NTILRSGRKY

ClinVar aggregate classification (germline): Uncertain significance (1 of 4 stars; one submission).

Submission:

Women's Health and Genetics/Laboratory Corporation of America, LabCorp
Classification: Uncertain significance. Last evaluated: 2025-07-24. Review status: criteria provided, single submitter. Criteria: LabCorp Variant Classification Summary - May 2015. Collection method: clinical testing. Allele origin: germline.
Comment: Variant summary: TTN c.13286A>T (p.Asp4429Val) results in a non-conservative amino acid change located in the I-band region of the encoded protein sequence. Algorithms developed to predict the effect of missense changes on protein structure and function are either unavailable or do not agree on the potential impact of this missense change. The variant allele was found at a frequency of 4e-06 in 248616 control chromosomes. The available data on variant occurrences in the general population are insufficient to allow any conclusion about variant significance. To our knowledge, no occurrence of c.13286A>T in individuals affected with Autosomal Recessive Titinopathy and no experimental evidence demonstrating its impact on protein function have been reported. No submitters have cited clinical-significance assessments for this variant to ClinVar. Based on the evidence outlined above, the variant was classified as uncertain significance.